The following is an entry in ClinVar:

NM_000553.6(WRN):c.3724C>T (p.Gln1242Ter)

Gene: WRN (WRN RecQ like helicase; plus strand). Cytogenetic location: 8p12.
Variant type: single nucleotide variant.
Coding change: c.3724C>T on transcript NM_000553.6 (MANE Select); coding-DNA position 3724, C replaced by T.
Protein change: p.Gln1242Ter; replaces glutamine 1242 with a stop codon.
Molecular consequence: nonsense.
Genome position (GRCh38, 1-based): chr8:31,154,660, C>T. VCF-style: chr8-31154660-C-T. GRCh37 (hg19) VCF-style: chr8-31012176-C-T.
Other names: short protein forms Q1242*.
Identifiers: ClinVar variation 852798 (VCV000852798.12), dbSNP rs762379051, ClinGen allele CA4705166.

ClinVar aggregate classification (germline): Pathogenic/Likely pathogenic. Review status: criteria provided, multiple submitters, no conflicts (2 of 4 stars). 3 submissions from 3 submitters: Pathogenic (2); Likely pathogenic (1). Last evaluated 2024-04-09.

Conditions:
Werner syndrome (WRN). Identifiers: Orphanet 902, MedGen C0043119, MONDO:0010196, OMIM 277700.

Allele frequency attached by ClinVar (database versions not stated): gnomAD 0.00001; gnomAD exomes 0.00001 and 0.00002; ExAC 0.00002.

Submissions (3):

Labcorp Genetics (formerly Invitae), Labcorp
Classification: Pathogenic for Werner syndrome. Last evaluated: 2024-04-09. Review status: criteria provided, single submitter. Criteria: Invitae Variant Classification Sherloc (09022015). Collection method: clinical testing. Allele origin: germline.
Comment: This sequence change creates a premature translational stop signal (p.Gln1242*) in the WRN gene. It is expected to result in an absent or disrupted protein product. Loss-of-function variants in WRN are known to be pathogenic (PMID: 16673358). This variant is present in population databases (rs762379051, gnomAD 0.01%). This variant has not been reported in the literature in individuals affected with WRN-related conditions. ClinVar contains an entry for this variant (Variation ID: 852798). For these reasons, this variant has been classified as Pathogenic.

Baylor Genetics
Classification: Pathogenic for Werner syndrome. Last evaluated: 2023-12-19. Review status: criteria provided, single submitter. Criteria: ACMG Guidelines, 2015. Collection method: clinical testing. Allele origin: unknown.

Revvity Omics, Revvity
Classification: Likely pathogenic for Werner syndrome. Last evaluated: 2021-08-26. Review status: criteria provided, single submitter. Criteria: ACMG Guidelines, 2015. Collection method: clinical testing. Allele origin: germline.

Literature cited by the submitters: PubMed 16673358 (cited by Labcorp Genetics (formerly Invitae), Labcorp).